The following is an entry in ClinVar:

ClinVar aggregate classification (germline): Uncertain significance. Review status: criteria provided, multiple submitters, no conflicts (2 of 4 stars). 2 submissions from 2 submitters: Uncertain significance (2). Last evaluated 2024-08-06.

Submissions (2):

Labcorp Genetics (formerly Invitae), Labcorp
Classification: Uncertain significance. Last evaluated: 2024-08-06. Review status: criteria provided, single submitter. Criteria: Invitae Variant Classification Sherloc (09022015). Collection method: clinical testing. Allele origin: germline.
Comment: This sequence change falls in intron 4 of the PDE6A gene. It does not directly change the encoded amino acid sequence of the PDE6A protein. It affects a nucleotide within the consensus splice site. This variant is not present in population databases (gnomAD no frequency). This variant has not been reported in the literature in individuals affected with PDE6A-related conditions. ClinVar contains an entry for this variant (Variation ID: 866823). Variants that disrupt the consensus splice site are a relatively common cause of aberrant splicing (PMID: 17576681, 9536098). Algorithms developed to predict the effect of sequence changes on RNA splicing suggest that this variant may disrupt the consensus splice site. In summary, the available evidence is currently insufficient to determine the role of this variant in disease. Therefore, it has been classified as a Variant of Uncertain Significance.

Blueprint Genetics
Classification: Uncertain significance. Last evaluated: 2021-08-24. Review status: criteria provided, single submitter. Criteria: ACMG Guidelines, 2015. Collection method: clinical testing. Allele origin: germline.

Literature cited by the submitters: PubMed 17576681 (cited by Labcorp Genetics (formerly Invitae), Labcorp); PubMed 9536098 (cited by Labcorp Genetics (formerly Invitae), Labcorp).

NM_000440.3(PDE6A):c.858+5G>T

Gene: PDE6A (phosphodiesterase 6A; minus strand). Cytogenetic location: 5q32.
Variant type: single nucleotide variant.
Coding change: c.858+5G>T on transcript NM_000440.3 (MANE Select); 5 bases into the intron after coding-DNA position 858, G replaced by T.
Molecular consequence: intron variant.
Genome position (GRCh38, 1-based): chr5:149,931,023, C>A on the plus strand (G>T on the coding strand, the complement: PDE6A is on the minus strand). VCF-style: chr5-149931023-C-A. GRCh37 (hg19) VCF-style: chr5-149310586-C-A.
Identifiers: ClinVar variation 866823 (VCV000866823.9), dbSNP rs1754018441, ClinGen allele CA916082790.